The following is an entry in ClinVar:

ClinVar aggregate classification (germline): Likely pathogenic (1 of 4 stars; one submission).

Submission:

Labcorp Genetics (formerly Invitae), Labcorp
Classification: Likely pathogenic. Last evaluated: 2022-09-13. Review status: criteria provided, single submitter. Criteria: Invitae Variant Classification Sherloc (09022015). Collection method: clinical testing. Allele origin: germline.
Comment: This sequence change replaces glycine, which is neutral and non-polar, with aspartic acid, which is acidic and polar, at codon 185 of the COL4A1 protein (p.Gly185Asp). This variant is not present in population databases (gnomAD no frequency). This variant has not been reported in the literature in individuals affected with COL4A1-related conditions. ClinVar contains an entry for this variant (Variation ID: 1525624). Algorithms developed to predict the effect of missense changes on protein structure and function are either unavailable or do not agree on the potential impact of this missense change (SIFT: "Deleterious"; PolyPhen-2: "Not Available"; Align-GVGD: "Class C65"). This variant disrupts the triple helix domain of COL4A1. Glycine residues within the Gly-Xaa-Yaa repeats of the triple helix domain are required for the structure and stability of fibrillar collagens (PMID: 7695699, 8218237, 19344236). In COL4A1 variants affecting these glycine residues are significantly enriched in individuals with disease (PMID: 9016532, 17078022) compared to the general population (ExAC). In summary, the currently available evidence indicates that the variant is pathogenic, but additional data are needed to prove that conclusively. Therefore, this variant has been classified as Likely Pathogenic.

Literature cited by the submitters: PubMed 7695699; PubMed 8218237; PubMed 19344236; PubMed 9016532; PubMed 17078022.

NM_001845.6(COL4A1):c.554G>A (p.Gly185Asp)

Gene: COL4A1 (collagen type IV alpha 1 chain; minus strand). Cytogenetic location: 13q34.
Variant type: single nucleotide variant.
Coding change: c.554G>A on transcript NM_001845.6 (MANE Select); coding-DNA position 554, G replaced by A.
Protein change: p.Gly185Asp; replaces glycine 185 with aspartic acid.
Molecular consequence: missense variant.
Genome position (GRCh38, 1-based): chr13:110,210,041, C>T on the plus strand (G>A on the coding strand, the complement: COL4A1 is on the minus strand). VCF-style: chr13-110210041-C-T. GRCh37 (hg19) VCF-style: chr13-110862388-C-T.
Other names: c.554G>A, p.Gly185Asp (NM_001303110.2); short protein forms G185D.
Identifiers: ClinVar variation 1525624 (VCV001525624.6), dbSNP rs1566376798, ClinGen allele CA388725548.
Genomic context (GRCh38, chr13:110,210,041, plus strand): 5'-GGTGGTCCGGTAAATCCTGGAGGCCCAACAGGACCTTGAAGCCCTGGCAGTCCTGGTGGG[C>T]CCTAGAATGCATGAGAAAGAAATGAGTTCAGATGCGAACTGGGAGGGTGAGGTGGCACAT-3'
Protein context (NP_001836.3, residues 175-195): RGFPGIPGTP[Gly185Asp]PPGLPGLQGP